The following is an entry in ClinVar:

ClinVar aggregate classification (germline): Uncertain significance (1 of 4 stars; one submission).

Conditions:
Dyggve-Melchior-Clausen syndrome (DMC). Also called: Dyggve-Melchior-Clausen disease; DMC syndrome. Identifiers: Orphanet 239, MedGen C0265286, MONDO:0009130, OMIM 223800.

Submission:

Hacettepe Pediatric Genetics Laboratory, Hacettepe University
Classification: Uncertain significance for Dyggve-Melchior-Clausen syndrome. Last evaluated: 2023-08-04. Review status: criteria provided, single submitter. Criteria: ACMG Guidelines, 2015. Collection method: clinical testing. Allele origin: germline. Inheritance: Autosomal recessive inheritance. Affected: yes and no. Observed: 4 variant alleles, 2 heterozygotes, 2 homozygotes. Clinical features observed: Rhizomelic arm shortening (HP:0004991), Short stature (HP:0004322), Coarse facial features (HP:0000280), Intellectual disability (HP:0001249), Disproportionate short-trunk short stature (HP:0003521).
Comment: This variant was neither found in ExAC nor GnomAD. This change was classified as “Uncertain Significance” according to the ACMG guidelines and predicted to be disease causing by in silico analysis such as MutationTaster.

NM_001353214.3(DYM):c.1626-14_1626-4del

Gene: DYM (dymeclin; minus strand). Cytogenetic location: 18q21.1.
Variant type: Deletion.
Coding change: c.1626-14_1626-4del on transcript NM_001353214.3 (MANE Select); 14 bases into the intron before coding-DNA position 1626 through 4 bases into the intron before coding-DNA position 1626, 11 bases deleted (GTTTGTTTTTC).
Molecular consequence: intron variant.
Genome position (GRCh38, 1-based): chr18:49,163,791-49,163,801, GAAAAACAAAC deleted on the plus strand (GTTTGTTTTTC on the coding strand, the reverse complement: DYM is on the minus strand). VCF-style (leftmost placement, unchanged base first): chr18-49163790-GGAAAAACAAAC-G. GRCh37 (hg19) VCF-style: chr18-46690160-GGAAAAACAAAC-G.
Other names: c.1455-14_1455-4del (NM_001374439.1); c.1620-14_1620-4del (NM_001374429.1); c.1458-14_1458-4del (NM_001353211.3, NM_001374438.1, NM_001374435.1 and 1 more transcripts); c.1623-14_1623-4del (NM_001353212.3, NM_001353213.3); c.888-14_888-4del (NM_001374443.1); c.891-14_891-4del (NM_001374444.1, NM_001374442.1); c.1056-14_1056-4del (NM_001374441.1); c.1233-14_1233-4del (NM_001374440.1); and 5 more.
Identifiers: ClinVar variation 2574635 (VCV002574635.2), dbSNP rs2514909931, ClinGen allele CA2697555467.